The following is an entry in ClinVar:

NM_000236.3(LIPC):c.914T>G (p.Met305Arg)

Gene: LIPC (lipase C, hepatic type; plus strand). Cytogenetic location: 15q21.3.
Variant type: single nucleotide variant.
Coding change: c.914T>G on transcript NM_000236.3 (MANE Select); coding-DNA position 914, T replaced by G.
Protein change: p.Met305Arg; replaces methionine 305 with arginine.
Molecular consequence: missense variant.
Genome position (GRCh38, 1-based): chr15:58,548,435, T>G. VCF-style: chr15-58548435-T-G. GRCh37 (hg19) VCF-style: chr15-58840634-T-G.
Other names: short protein forms M305R.
Identifiers: ClinVar variation 2807080 (VCV002807080.3), dbSNP rs768798538, ClinGen allele CA7585041.
Genomic context (GRCh38, chr15:58,548,435, plus strand): 5'-TTTTCATCGACTCCTTGCTGCACGCCGGCACGCAGAGCATGGCCTACCCGTGTGGTGACA[T>G]GAACAGCTTCAGCCAGGGCCTGTGCCTGAGCTGCAAGAAGGGCCGCTGCAACACGCTGGG-3'
Protein context (NP_000227.2, residues 295-315): TQSMAYPCGD[Met305Arg]NSFSQGLCLS

ClinVar aggregate classification (germline): Uncertain significance (1 of 4 stars; one submission).

Allele frequency attached by ClinVar (database versions not stated): ExAC 0.00001.
gnomAD v4.1: 2 of 1,614,002 alleles (0.00012%); highest among the groups gnomAD compares: East Asian, 0.0022%; no homozygotes.

Submission:

Labcorp Genetics (formerly Invitae), Labcorp
Classification: Uncertain significance. Last evaluated: 2023-07-14. Review status: criteria provided, single submitter. Criteria: Invitae Variant Classification Sherloc (09022015). Collection method: clinical testing. Allele origin: germline.
Comment: In summary, the available evidence is currently insufficient to determine the role of this variant in disease. Therefore, it has been classified as a Variant of Uncertain Significance. Advanced modeling of protein sequence and biophysical properties (such as structural, functional, and spatial information, amino acid conservation, physicochemical variation, residue mobility, and thermodynamic stability) performed at Invitae indicates that this missense variant is not expected to disrupt LIPC protein function. This variant has not been reported in the literature in individuals affected with LIPC-related conditions. This variant is present in population databases (rs768798538, gnomAD 0.006%). This sequence change replaces methionine, which is neutral and non-polar, with arginine, which is basic and polar, at codon 305 of the LIPC protein (p.Met305Arg).